The following is an entry in ClinVar:

NM_004656.4(BAP1):c.857A>C (p.Lys286Thr)

Gene: BAP1 (BRCA1 associated deubiquitinase 1; minus strand). Cytogenetic location: 3p21.1.
Variant type: single nucleotide variant.
Coding change: c.857A>C on transcript NM_004656.4 (MANE Select); coding-DNA position 857, A replaced by C.
Protein change: p.Lys286Thr; replaces lysine 286 with threonine.
Molecular consequence: missense variant.
Genome position (GRCh38, 1-based): chr3:52,405,839, T>G on the plus strand (A>C on the coding strand, the complement: BAP1 is on the minus strand). VCF-style: chr3-52405839-T-G. GRCh37 (hg19) VCF-style: chr3-52439855-T-G.
Other names: c.857A>C (NM_004656.2); short protein forms K286T.
Identifiers: ClinVar variation 1318437 (VCV001318437.3), dbSNP rs2153227244, ClinGen allele CA353106738.
Genomic context (GRCh38, chr3:52,405,839, plus strand): 5'-TCAGAGGCTGCAGGGGCCCTGTTTGCTTCCAGCACCAGCGGGGACTTGTTGCTGGCTGAC[T>G]TGGACTCCTCAGGCAGCTGTGACTCTTGAGACTTGTGGGTCTGAATCAGCTCTGGCTGTG-3'
Protein context (NP_004647.1, residues 276-296): SQESQLPEES[Lys286Thr]SASNKSPLVL

ClinVar aggregate classification (germline): Uncertain significance. Review status: criteria provided, multiple submitters, no conflicts (2 of 4 stars). 2 submissions from 2 submitters: Uncertain significance (2). Last evaluated 2025-09-01.

Conditions:
Hereditary cancer-predisposing syndrome. Also called: Hereditary neoplastic syndrome; Neoplastic Syndromes, Hereditary; Tumor predisposition; Hereditary Cancer Syndrome. Identifiers: Orphanet 140162, MedGen C0027672, MeSH D009386, MONDO:0015356.

Submissions (2):

Ambry Genetics
Classification: Uncertain significance for Hereditary cancer-predisposing syndrome. Last evaluated: 2025-09-01. Review status: criteria provided, single submitter. Criteria: Ambry Variant Classification Scheme 2023. Collection method: clinical testing. Allele origin: germline.
Comment: The p.K286T variant (also known as c.857A>C), located in coding exon 10 of the BAP1 gene, results from an A to C substitution at nucleotide position 857. The lysine at codon 286 is replaced by threonine, an amino acid with similar properties. This amino acid position is conserved. In addition, this alteration is predicted to be tolerated by in silico analysis. Based on the available evidence, the clinical significance of this variant remains unclear.

GeneDx
Classification: Uncertain significance. Last evaluated: 2019-07-22. Review status: criteria provided, single submitter. Criteria: GeneDx Variant Classification Process June 2021. Collection method: clinical testing. Allele origin: germline. Affected: yes.
Comment: Not observed at a significant frequency in large population cohorts (Lek et al., 2016); In silico analysis, which includes protein predictors and evolutionary conservation, supports that this variant does not alter protein structure/function; Has not been previously published as pathogenic or benign to our knowledge